The following is an entry in ClinVar:

ClinVar aggregate classification (germline): Uncertain significance (1 of 4 stars; one submission).

Conditions:
Mucopolysaccharidosis, MPS-IV-A (MPS4A). Also called: Morquio syndrome A, mild; MORQUIO SYNDROME A; GALACTOSAMINE-6-SULFATASE DEFICIENCY; GALNS DEFICIENCY; MORQUIO A DISEASE; Mucopolysaccharidosis type IV A. Identifiers: Orphanet 309297, Orphanet 582, MedGen C0086651, MONDO:0009659, OMIM 253000.

Submission:

Labcorp Genetics (formerly Invitae), Labcorp
Classification: Uncertain significance for Mucopolysaccharidosis, MPS-IV-A. Last evaluated: 2022-08-12. Review status: criteria provided, single submitter. Criteria: Invitae Variant Classification Sherloc (09022015). Collection method: clinical testing. Allele origin: germline.
Comment: In summary, the available evidence is currently insufficient to determine the role of this variant in disease. Therefore, it has been classified as a Variant of Uncertain Significance. Advanced modeling of protein sequence and biophysical properties (such as structural, functional, and spatial information, amino acid conservation, physicochemical variation, residue mobility, and thermodynamic stability) performed at Invitae indicates that this missense variant is expected to disrupt GALNS protein function. This missense change has been observed in individual(s) with clinical features of Mucopolysaccharidosis type IVA (Invitae). This variant is not present in population databases (gnomAD no frequency). This sequence change replaces glycine, which is neutral and non-polar, with arginine, which is basic and polar, at codon 252 of the GALNS protein (p.Gly252Arg).

NM_000512.5(GALNS):c.754G>A (p.Gly252Arg)

Gene: GALNS (galactosamine (N-acetyl)-6-sulfatase; minus strand). Cytogenetic location: 16q24.3.
Variant type: single nucleotide variant.
Coding change: c.754G>A on transcript NM_000512.5 (MANE Select); coding-DNA position 754, G replaced by A.
Protein change: p.Gly252Arg; replaces glycine 252 with arginine.
Molecular consequence: missense variant.
Genome position (GRCh38, 1-based): chr16:88,835,729, C>T on the plus strand (G>A on the coding strand, the complement: GALNS is on the minus strand). VCF-style: chr16-88835729-C-T. GRCh37 (hg19) VCF-style: chr16-88902137-C-T.
Other names: c.199G>A, p.Gly67Arg (NM_001323543.2); c.772G>A, p.Gly258Arg (NM_001323544.2); short protein forms G67R, G252R, G258R.
Identifiers: ClinVar variation 2090384 (VCV002090384.4), dbSNP rs2543534739, ClinGen allele CA397079613.
Genomic context (GRCh38, chr16:88,835,729, plus strand): 5'-GTCAAGCACAGCTGGGGCCTCCAGCGAGGTCTATGCTCCATGGAGCCAGGACTCACCGCC[C>T]TCGCTGACTGGTGCCCAAGAAGGGTTTGGAGGCATAGACGGGTGCGTGCGTGGCGTCGAC-3'
Protein context (NP_000503.1, residues 242-262): SKPFLGTSQR[Gly252Arg]RYGDAVREID